The following is an entry in ClinVar:

NM_002439.5(MSH3):c.1885T>C (p.Tyr629His)

Gene: MSH3 (mutS homolog 3; plus strand). Cytogenetic location: 5q14.1.
Variant type: single nucleotide variant.
Coding change: c.1885T>C on transcript NM_002439.5 (MANE Select); coding-DNA position 1885, T replaced by C.
Protein change: p.Tyr629His; replaces tyrosine 629 with histidine.
Molecular consequence: missense variant.
Genome position (GRCh38, 1-based): chr5:80,761,667, T>C. VCF-style: chr5-80761667-T-C. GRCh37 (hg19) VCF-style: chr5-80057486-T-C.
Other names: short protein forms Y629H.
Identifiers: ClinVar variation 1046452 (VCV001046452.8), dbSNP rs1744038037, ClinGen allele CA360276721.

ClinVar aggregate classification (germline): Uncertain significance (1 of 4 stars; one submission).

Submission:

Labcorp Genetics (formerly Invitae), Labcorp
Classification: Uncertain significance. Last evaluated: 2020-01-22. Review status: criteria provided, single submitter. Criteria: Invitae Variant Classification Sherloc (09022015). Collection method: clinical testing. Allele origin: germline.
Comment: In summary, the available evidence is currently insufficient to determine the role of this variant in disease. Therefore, it has been classified as a Variant of Uncertain Significance. Algorithms developed to predict the effect of missense changes on protein structure and function are either unavailable or do not agree on the potential impact of this missense change (SIFT: "Deleterious"; PolyPhen-2: "Probably Damaging"; Align-GVGD: "Class C0"). This variant has not been reported in the literature in individuals with MSH3-related conditions. This variant is not present in population databases (ExAC no frequency). This sequence change replaces tyrosine with histidine at codon 629 of the MSH3 protein (p.Tyr629His). The tyrosine residue is highly conserved and there is a moderate physicochemical difference between tyrosine and histidine.